The following is an entry in ClinVar:

ClinVar aggregate classification (germline): Conflicting classifications of pathogenicity. Review status: criteria provided, conflicting classifications (1 of 4 stars). 5 submissions from 5 submitters: Likely pathogenic (4); Uncertain significance (1). Last evaluated 2025-10-30.

Conditions:
Autosomal recessive limb-girdle muscular dystrophy type 2A (LGMDR1). Also called: LEYDEN-MOEBIUS MUSCULAR DYSTROPHY; MUSCULAR DYSTROPHY, PELVOFEMORAL; Limb-girdle muscular dystrophy, type 2A; Calpainopathy; Muscular dystrophy, limb-girdle, type 2A, Amish. Identifiers: Orphanet 267, MedGen C1869123, MONDO:0009675, OMIM 253600. Disease mechanism: loss of function.
Muscular dystrophy, limb-girdle, autosomal dominant 4. Also called: Calpain-3-related limb-girdle muscular dystrophy D4; MUSCULAR DYSTROPHY, LIMB-GIRDLE, TYPE 1I. Identifiers: Orphanet 565909, MedGen C4748295, MONDO:0029133, OMIM 618129.

Allele frequency attached by ClinVar (database versions not stated): TOPMed 0.00002.
gnomAD v4.1: 13 of 1,613,008 alleles (0.00081%); highest among the groups gnomAD compares: South Asian, 0.0044%; no homozygotes.

Submissions (5):

Myriad Genetics, Inc.
Classification: Uncertain significance for Autosomal recessive limb-girdle muscular dystrophy type 2A. Last evaluated: 2025-10-30. Review status: criteria provided, single submitter. Criteria: Myriad Autosomal Dominant, Autosomal Recessive and X-Linked Classification Criteria (2023). Collection method: clinical testing. Allele origin: unknown.
Comment: NM_000070.2(CAPN3):c.1202A>T(Y401F) is a missense variant classified as a variant of uncertain significance in the context of calpainopathy. Y401F has been observed in cases with relevant disease (PMID: 33337384). Relevant functional assessments of this variant are not available in the literature. Y401F has been observed in referenced population frequency databases. In summary, there is insufficient evidence to classify NM_000070.2(CAPN3):c.1202A>T(Y401F) as pathogenic or benign. Please note: this variant was assessed in the context of healthy population screening.

Natera, Inc.
Classification: Likely pathogenic for Limb-girdle muscular dystrophy type 2A. Last evaluated: 2025-10-16. Review status: criteria provided, single submitter. Criteria: Natera Variant Classification Schema (03/2026). Collection method: clinical testing. Allele origin: germline.
Comment: The c.1202A>T variant in CAPN3 is a missense variant predicted to cause substitution of tyrosine to phenylalanine at amino acid 401. This variant is rare in the general population with a frequency below the threshold expected for the associated phenotype(s). This variant has been observed in one or more individuals affected with the associated recessive disease, as either homozygous or compound heterozygous with a second variant (PMID: 33337384). A different variant at the same position has been determined to be Pathogenic or Likely Pathogenic. Given the available evidence, this variant is classified as Likely Pathogenic.

Labcorp Genetics (formerly Invitae), Labcorp
Classification: Likely pathogenic for Autosomal recessive limb-girdle muscular dystrophy type 2A. Last evaluated: 2025-03-31. Review status: criteria provided, single submitter. Criteria: Invitae Variant Classification Sherloc (09022015). Collection method: clinical testing. Allele origin: germline.
Comment: This sequence change replaces tyrosine, which is neutral and polar, with phenylalanine, which is neutral and non-polar, at codon 401 of the CAPN3 protein (p.Tyr401Phe). This variant is present in population databases (no rsID available, gnomAD 0.0009%). This missense change has been observed in individuals with autosomal recessive limb-girdle muscular dystrophy (PMID: 33337384). ClinVar contains an entry for this variant (Variation ID: 965033). Invitae Evidence Modeling of protein sequence and biophysical properties (such as structural, functional, and spatial information, amino acid conservation, physicochemical variation, residue mobility, and thermodynamic stability) indicates that this missense variant is not expected to disrupt CAPN3 protein function with a negative predictive value of 95%. This variant disrupts the p.Tyr401 amino acid residue in CAPN3. Other variant(s) that disrupt this residue have been observed in individuals with CAPN3-related conditions (PMID: 15689361, 33337384), which suggests that this may be a clinically significant amino acid residue. In summary, the currently available evidence indicates that the variant is pathogenic, but additional data are needed to prove that conclusively. Therefore, this variant has been classified as Likely Pathogenic.

Fulgent Genetics
Classification: Likely pathogenic for Autosomal recessive limb-girdle muscular dystrophy type 2A; Muscular dystrophy, limb-girdle, autosomal dominant 4. Last evaluated: 2024-01-10. Review status: criteria provided, single submitter. Criteria: ACMG Guidelines, 2015. Collection method: clinical testing. Allele origin: germline.

Baylor Genetics
Classification: Likely pathogenic for Muscular dystrophy, limb-girdle, autosomal dominant 4. Last evaluated: 2023-12-28. Review status: criteria provided, single submitter. Criteria: ACMG Guidelines, 2015. Collection method: clinical testing. Allele origin: unknown.

Literature cited by the submitters: PubMed 33337384 (cited by 3 submitters); PubMed 15689361 (cited by Labcorp Genetics (formerly Invitae), Labcorp).

NM_000070.3(CAPN3):c.1202A>T (p.Tyr401Phe)

Gene: CAPN3 (calpain 3; plus strand). Cytogenetic location: 15q15.1.
Variant type: single nucleotide variant.
Coding change: c.1202A>T on transcript NM_000070.3 (MANE Select); coding-DNA position 1202, A replaced by T.
Protein change: p.Tyr401Phe; replaces tyrosine 401 with phenylalanine.
Molecular consequence: missense variant.
Genome position (GRCh38, 1-based): chr15:42,399,500, A>T. VCF-style: chr15-42399500-A-T. GRCh37 (hg19) VCF-style: chr15-42691698-A-T.
Other names: c.1202A>T, p.Tyr401Phe (NM_024344.2); c.1058A>T, p.Tyr353Phe (NM_173087.2); short protein forms Y353F, Y401F.
Identifiers: ClinVar variation 965033 (VCV000965033.14), dbSNP rs371784007, ClinGen allele CA269842848.
Genomic context (GRCh38, chr15:42,399,500, plus strand): 5'-AGCCCTCCTCACCTGCTCCCATATGGCTCTCTCTCTTCTTCCAACCTCTCAGGATGTCCT[A>T]TGAGGATTTCATCTACCATTTCACAAAGTTGGAGATCTGCAACCTCACGGCCGATGCTCT-3'
Protein context (NP_000061.1, residues 391-411): VTEDGEFWMS[Tyr401Phe]EDFIYHFTKL